The following is an entry in ClinVar:

NM_000179.3(MSH6):c.2968T>A (p.Leu990Met)

Gene: MSH6 (mutS homolog 6; plus strand). Cytogenetic location: 2p16.3.
Variant type: single nucleotide variant.
Coding change: c.2968T>A on transcript NM_000179.3 (MANE Select); coding-DNA position 2968, T replaced by A.
Protein change: p.Leu990Met; replaces leucine 990 with methionine.
Molecular consequence: missense variant.
Genome position (GRCh38, 1-based): chr2:47,800,951, T>A. VCF-style: chr2-47800951-T-A. GRCh37 (hg19) VCF-style: chr2-48028090-T-A.
Other names: c.2062T>A, p.Leu688Met (NM_001406816.1, NM_001281493.2, NM_001281494.2 and 6 more transcripts); c.2671T>A, p.Leu891Met (NM_001406818.1, NM_001406819.1, NM_001406820.1 and 10 more transcripts); c.2578T>A, p.Leu860Met (NM_001281492.2); c.3064T>A, p.Leu1022Met (NM_001406795.1, NM_001406802.1); c.2968T>A, p.Leu990Met (NM_001406796.1, NM_001406798.1, NM_001406800.1 and 2 more transcripts); c.2443T>A, p.Leu815Met (NM_001406799.1, NM_001406806.1, NM_001406807.1); c.2890T>A, p.Leu964Met (NM_001406804.1); c.2974T>A, p.Leu992Met (NM_001406813.1); and 2 more; short protein forms L688M, L934M, L992M, L815M, L891M, L990M, L1022M, L964M.
Identifiers: ClinVar variation 1798244 (VCV001798244.7), dbSNP rs1178799836, ClinGen allele CA346756308.

ClinVar aggregate classification (germline): Uncertain significance. Review status: criteria provided, multiple submitters, no conflicts (2 of 4 stars). 4 submissions from 4 submitters: Uncertain significance (4). Last evaluated 2025-05-12.

Conditions:
Hereditary cancer-predisposing syndrome. Also called: Neoplastic Syndromes, Hereditary; Tumor predisposition; Hereditary Cancer Syndrome; Hereditary neoplastic syndrome. Identifiers: Orphanet 140162, MedGen C0027672, MeSH D009386, MONDO:0015356.
Hereditary nonpolyposis colorectal neoplasms. Identifiers: MedGen C0009405, MeSH D003123.
Lynch syndrome. Identifiers: Orphanet 144, MedGen C4552100, MONDO:0005835. Disease mechanism: loss of function.

Submissions (4):

Color Diagnostics, LLC DBA Color Health
Classification: Uncertain significance for Hereditary cancer-predisposing syndrome. Last evaluated: 2025-05-12. Review status: criteria provided, single submitter. Criteria: ACMG Guidelines, 2015. Collection method: clinical testing. Allele origin: germline.
Comment: This missense variant replaces leucine with methionine at codon 990 of the MSH6 protein. Computational prediction suggests that this variant may not impact protein structure and function. To our knowledge, functional studies have not been reported for this variant. This variant has not been reported in individuals affected with MSH6-related disorders in the literature. This variant has not been identified in the general population by the Genome Aggregation Database (gnomAD). The available evidence is insufficient to determine the role of this variant in disease conclusively. Therefore, this variant is classified as a Variant of Uncertain Significance.

All of Us Research Program, National Institutes of Health
Classification: Uncertain significance for Lynch syndrome. Last evaluated: 2023-09-04. Review status: criteria provided, single submitter. Criteria: ACMG Guidelines, 2015. Collection method: clinical testing. Allele origin: germline. Inheritance: Autosomal dominant inheritance. Observed: 2 variant alleles, 2 heterozygotes.
Comment: This missense variant replaces leucine with methionine at codon 990 of the MSH6 protein. Computational prediction suggests that this variant may not impact protein structure and function (internally defined REVEL score threshold <= 0.5, PMID: 27666373). To our knowledge, functional studies have not been reported for this variant. This variant has not been reported in individuals affected with MSH6-related disorders in the literature. This variant has not been identified in the general population by the Genome Aggregation Database (gnomAD). The available evidence is insufficient to determine the role of this variant in disease conclusively. Therefore, this variant is classified as a Variant of Uncertain Significance.

This study involves interpretation of variants in research participants for the purpose of population health screening. Participant phenotype was not available at the time of variant classification. Additional details can be found in publication PMID: 35346344, PMCID: PMC8962531

Labcorp Genetics (formerly Invitae), Labcorp
Classification: Uncertain significance for Hereditary nonpolyposis colorectal neoplasms. Last evaluated: 2023-01-19. Review status: criteria provided, single submitter. Criteria: Invitae Variant Classification Sherloc (09022015). Collection method: clinical testing. Allele origin: germline.
Comment: This sequence change replaces leucine, which is neutral and non-polar, with methionine, which is neutral and non-polar, at codon 990 of the MSH6 protein (p.Leu990Met). This variant is not present in population databases (gnomAD no frequency). This variant has not been reported in the literature in individuals affected with MSH6-related conditions. ClinVar contains an entry for this variant (Variation ID: 1798244). Advanced modeling of protein sequence and biophysical properties (such as structural, functional, and spatial information, amino acid conservation, physicochemical variation, residue mobility, and thermodynamic stability) performed at Invitae indicates that this missense variant is not expected to disrupt MSH6 protein function. In summary, the available evidence is currently insufficient to determine the role of this variant in disease. Therefore, it has been classified as a Variant of Uncertain Significance.

Ambry Genetics
Classification: Uncertain significance for Hereditary cancer-predisposing syndrome. Last evaluated: 2022-01-12. Review status: criteria provided, single submitter. Criteria: Ambry Variant Classification Scheme 2023. Collection method: clinical testing. Allele origin: germline.
Comment: The p.L990M variant (also known as c.2968T>A), located in coding exon 4 of the MSH6 gene, results from a T to A substitution at nucleotide position 2968. The leucine at codon 990 is replaced by methionine, an amino acid with highly similar properties. This amino acid position is well conserved in available vertebrate species. In addition, the in silico prediction for this alteration is inconclusive. Since supporting evidence is limited at this time, the clinical significance of this alteration remains unclear.